The following is an entry in ClinVar:

NM_001042750.2(STAG2):c.1202G>A (p.Ser401Asn)

Gene: STAG2 (STAG2 cohesin complex component; plus strand). Cytogenetic location: Xq25.
Variant type: single nucleotide variant.
Coding change: c.1202G>A on transcript NM_001042750.2 (MANE Select); coding-DNA position 1202, G replaced by A.
Protein change: p.Ser401Asn; replaces serine 401 with asparagine.
Molecular consequence: missense variant.
Genome position (GRCh38, 1-based): chrX:124,056,133, G>A. VCF-style: chrX-124056133-G-A. GRCh37 (hg19) VCF-style: chrX-123189983-G-A.
Other names: c.1202G>A, p.Ser401Asn (NM_001042749.2, NM_001042751.2, NM_001282418.2 and 23 more transcripts); short protein forms S401N.
Identifiers: ClinVar variation 4705904 (VCV004705904.1).

ClinVar aggregate classification (germline): Uncertain significance (1 of 4 stars; one submission).

gnomAD v4.1: 12 of 1,197,475 alleles (0.001%); highest among the groups gnomAD compares: Non-Finnish European, 0.0014%; no homozygotes.

Submission:

Labcorp Genetics (formerly Invitae), Labcorp
Classification: Uncertain significance. Last evaluated: 2025-04-02. Review status: criteria provided, single submitter. Criteria: Invitae Variant Classification Sherloc (09022015). Collection method: clinical testing. Allele origin: germline.
Comment: This sequence change replaces serine, which is neutral and polar, with asparagine, which is neutral and polar, at codon 401 of the STAG2 protein (p.Ser401Asn). This variant is not present in population databases (gnomAD no frequency). This variant has not been reported in the literature in individuals affected with STAG2-related conditions. Invitae Evidence Modeling of protein sequence and biophysical properties (such as structural, functional, and spatial information, amino acid conservation, physicochemical variation, residue mobility, and thermodynamic stability) indicates that this missense variant is not expected to disrupt STAG2 protein function with a negative predictive value of 80%. In summary, the available evidence is currently insufficient to determine the role of this variant in disease. Therefore, it has been classified as a Variant of Uncertain Significance.